The following is an entry in ClinVar:

NM_014000.3(VCL):c.992T>C (p.Met331Thr)

Gene: VCL (vinculin; plus strand). Cytogenetic location: 10q22.2.
Variant type: single nucleotide variant.
Coding change: c.992T>C on transcript NM_014000.3 (MANE Select); coding-DNA position 992, T replaced by C.
Protein change: p.Met331Thr; replaces methionine 331 with threonine.
Molecular consequence: missense variant.
Genome position (GRCh38, 1-based): chr10:74,083,483, T>C. VCF-style: chr10-74083483-T-C. GRCh37 (hg19) VCF-style: chr10-75843241-T-C.
Other names: c.992T>C, p.Met331Thr (NM_003373.4); short protein forms M331T.
Identifiers: ClinVar variation 2637073 (VCV002637073.1), dbSNP rs1334671031, ClinGen allele CA377270665.

ClinVar aggregate classification (germline): Uncertain significance (1 of 4 stars; one submission).

Conditions:
VCL-related disorder. Also called: VCL-related condition.

Allele frequency attached by ClinVar (database versions not stated): gnomAD exomes below 0.00001; gnomAD 0.00001; TOPMed 0.00001.
gnomAD v4.1: 5 of 1,613,992 alleles (0.00031%); highest among the groups gnomAD compares: African/African-American, 0.0067%; no homozygotes.

Submission:

PreventionGenetics, part of Exact Sciences
Classification: Uncertain significance for VCL-related condition. Last evaluated: 2022-09-13. Review status: criteria provided, single submitter. Criteria: ACMG Guidelines, 2015. Collection method: clinical testing. Allele origin: germline.
Comment: The VCL c.992T>C variant is predicted to result in the amino acid substitution p.Met331Thr. To our knowledge, this variant has not been reported in the literature. This variant is reported in 0.0080% of alleles in individuals of African descent in gnomAD. At this time, the clinical significance of this variant is uncertain due to the absence of conclusive functional and genetic evidence.